The following is an entry in ClinVar:

ClinVar aggregate classification (germline): Uncertain significance (1 of 4 stars; one submission).

Conditions:
Bethlem myopathy 1A. Also called: Bethlem myopathy 1; Bethlem Muscular Dystrophy; MYOPATHY, BENIGN CONGENITAL, WITH CONTRACTURES. Identifiers: Orphanet 610, MedGen CN029274, MONDO:0024530, OMIM 158810.

Submission:

Labcorp Genetics (formerly Invitae), Labcorp
Classification: Uncertain significance for Bethlem myopathy 1A. Last evaluated: 2021-01-20. Review status: criteria provided, single submitter. Criteria: Invitae Variant Classification Sherloc (09022015). Collection method: clinical testing. Allele origin: germline.
Comment: This sequence change replaces threonine with isoleucine at codon 433 of the COL6A3 protein (p.Thr433Ile). The threonine residue is highly conserved and there is a moderate physicochemical difference between threonine and isoleucine. This variant is not present in population databases (ExAC no frequency). This variant has not been reported in the literature in individuals with COL6A3-related conditions. Advanced modeling of protein sequence and biophysical properties (such as structural, functional, and spatial information, amino acid conservation, physicochemical variation, residue mobility, and thermodynamic stability) performed at Invitae indicates that this missense variant is not expected to disrupt COL6A3 protein function. In summary, the available evidence is currently insufficient to determine the role of this variant in disease. Therefore, it has been classified as a Variant of Uncertain Significance.

NM_004369.4(COL6A3):c.1298C>T (p.Thr433Ile)

Gene: COL6A3 (collagen type VI alpha 3 chain; minus strand). Cytogenetic location: 2q37.3.
Variant type: single nucleotide variant.
Coding change: c.1298C>T on transcript NM_004369.4 (MANE Select); coding-DNA position 1298, C replaced by T.
Protein change: p.Thr433Ile; replaces threonine 433 with isoleucine.
Molecular consequence: missense variant. On other transcripts: intron variant (2).
Genome position (GRCh38, 1-based): chr2:237,387,596, G>A on the plus strand (C>T on the coding strand, the complement: COL6A3 is on the minus strand). VCF-style: chr2-237387596-G-A. GRCh37 (hg19) VCF-style: chr2-238296239-G-A.
Other names: c.680C>T, p.Thr227Ile (NM_057165.5, NM_057167.4); c.92-6097C>T (NM_057166.5, NM_057164.5); short protein forms T433I, T227I.
Identifiers: ClinVar variation 1503970 (VCV001503970.8), dbSNP rs2106378142, ClinGen allele CA351220848.